The following is an entry in ClinVar:

NM_001384732.1(CPLANE1):c.8251C>G (p.Leu2751Val)

Gene: CPLANE1 (ciliogenesis and planar polarity effector complex subunit 1; minus strand). Cytogenetic location: 5p13.2.
Variant type: single nucleotide variant.
Coding change: c.8251C>G on transcript NM_001384732.1 (MANE Select); coding-DNA position 8251, C replaced by G.
Protein change: p.Leu2751Val; replaces leucine 2751 with valine.
Molecular consequence: missense variant.
Genome position (GRCh38, 1-based): chr5:37,153,862, G>C on the plus strand (C>G on the coding strand, the complement: CPLANE1 is on the minus strand). VCF-style: chr5-37153862-G-C. GRCh37 (hg19) VCF-style: chr5-37153964-G-C.
Other names: c.8089C>G, p.Leu2697Val (NM_023073.4); short protein forms L2751V, L2697V.
Identifiers: ClinVar variation 1952942 (VCV001952942.5), dbSNP rs1248343536, ClinGen allele CA359473980.

ClinVar aggregate classification (germline): Uncertain significance (1 of 4 stars; one submission).

Allele frequency attached by ClinVar (database versions not stated): gnomAD 0.00001; TOPMed 0.00001.
gnomAD v4.1: 1 of 1,614,010 alleles (0.000062%); highest among the groups gnomAD compares: Non-Finnish European, 0.000085%; no homozygotes.

Submission:

Labcorp Genetics (formerly Invitae), Labcorp
Classification: Uncertain significance. Last evaluated: 2022-04-08. Review status: criteria provided, single submitter. Criteria: Invitae Variant Classification Sherloc (09022015). Collection method: clinical testing. Allele origin: germline.
Comment: This variant is not present in population databases (gnomAD no frequency). In summary, the available evidence is currently insufficient to determine the role of this variant in disease. Therefore, it has been classified as a Variant of Uncertain Significance. Advanced modeling of protein sequence and biophysical properties (such as structural, functional, and spatial information, amino acid conservation, physicochemical variation, residue mobility, and thermodynamic stability) performed at Invitae indicates that this missense variant is not expected to disrupt CPLANE1 protein function. This variant has not been reported in the literature in individuals affected with CPLANE1-related conditions. This sequence change replaces leucine, which is neutral and non-polar, with valine, which is neutral and non-polar, at codon 2697 of the CPLANE1 protein (p.Leu2697Val).